The following is an entry in ClinVar:

ClinVar aggregate classification (germline): Uncertain significance (1 of 4 stars; one submission).

Conditions:
Inborn genetic diseases. Identifiers: MedGen C0950123, MeSH D030342.

Submission:

Ambry Genetics
Classification: Uncertain significance for Inborn genetic diseases. Last evaluated: 2026-07-06. Review status: criteria provided, single submitter. Criteria: Ambry Variant Classification Scheme 2023. Collection method: clinical testing. Allele origin: germline.
Comment: The p.G101V variant (also known as c.302G>T), located in coding exon 2 of the GATA2 gene, results from a G to T substitution at nucleotide position 302. The glycine at codon 101 is replaced by valine, an amino acid with dissimilar properties. This amino acid position is conserved. In addition, this alteration is predicted to be deleterious by in silico analysis. Based on the available evidence, the clinical significance of this variant remains unclear.

NM_032638.5(GATA2):c.302G>T (p.Gly101Val)

Gene: GATA2 (GATA binding protein 2; minus strand). Cytogenetic location: 3q21.3.
Variant type: single nucleotide variant.
Coding change: c.302G>T on transcript NM_032638.5 (MANE Select); coding-DNA position 302, G replaced by T.
Protein change: p.Gly101Val; replaces glycine 101 with valine.
Molecular consequence: missense variant.
Genome position (GRCh38, 1-based): chr3:128,486,296, C>A on the plus strand (G>T on the coding strand, the complement: GATA2 is on the minus strand). VCF-style: chr3-128486296-C-A. GRCh37 (hg19) VCF-style: chr3-128205139-C-A.
Other names: c.302G>T, p.Gly101Val (NM_001145661.2, NM_001145662.1); short protein forms G101V.
Identifiers: ClinVar variation 5022199 (VCV005022199.1).